The following is an entry in ClinVar:

ClinVar aggregate classification (germline): Conflicting classifications of pathogenicity. Review status: criteria provided, conflicting classifications (1 of 4 stars). 2 submissions from 2 submitters: Uncertain significance (1); Likely benign (1). Last evaluated 2024-10-18.

Conditions:
Cardiovascular phenotype. Identifiers: MedGen CN230736.
Long QT syndrome (LQTS). Identifiers: MedGen C0023976, MeSH D008133, MONDO:0002442. Disease mechanism: loss of function. Inheritance: Various modes of inheritance.

Allele frequency attached by ClinVar (database versions not stated): gnomAD exomes 0.00001; TOPMed 0.00001; gnomAD 0.00002.
gnomAD v4.1: 23 of 1,613,322 alleles (0.0014%); highest among the groups gnomAD compares: Non-Finnish European, 0.0014%; no homozygotes.

Submissions (2):

Labcorp Genetics (formerly Invitae), Labcorp
Classification: Uncertain significance for Long QT syndrome. Last evaluated: 2024-10-18. Review status: criteria provided, single submitter. Criteria: Invitae Variant Classification Sherloc (09022015). Collection method: clinical testing. Allele origin: germline.
Comment: This sequence change replaces arginine, which is basic and polar, with glutamine, which is neutral and polar, at codon 2099 of the AKAP9 protein (p.Arg2099Gln). This variant is present in population databases (no rsID available, gnomAD 0.008%). This variant has not been reported in the literature in individuals affected with AKAP9-related conditions. ClinVar contains an entry for this variant (Variation ID: 1364299). An algorithm developed to predict the effect of missense changes on protein structure and function (PolyPhen-2) suggests that this variant is likely to be disruptive. In summary, the available evidence is currently insufficient to determine the role of this variant in disease. Therefore, it has been classified as a Variant of Uncertain Significance.

Ambry Genetics
Classification: Likely benign for Cardiovascular phenotype. Last evaluated: 2024-03-15. Review status: criteria provided, single submitter. Criteria: Ambry Variant Classification Scheme 2023. Collection method: clinical testing. Allele origin: germline.

NM_005751.5(AKAP9):c.6296G>A (p.Arg2099Gln)

Gene: AKAP9 (A-kinase anchoring protein 9; plus strand). Cytogenetic location: 7q21.2.
Variant type: single nucleotide variant.
Coding change: c.6296G>A on transcript NM_005751.5 (MANE Select); coding-DNA position 6296, G replaced by A.
Protein change: p.Arg2099Gln; replaces arginine 2099 with glutamine.
Molecular consequence: missense variant.
Genome position (GRCh38, 1-based): chr7:92,066,512, G>A. VCF-style: chr7-92066512-G-A. GRCh37 (hg19) VCF-style: chr7-91695826-G-A.
Other names: c.941G>A, p.Arg314Gln (NM_001379277.1); c.6296G>A, p.Arg2099Gln (NM_147185.3); short protein forms R2099Q, R314Q.
Identifiers: ClinVar variation 1364299 (VCV001364299.8), dbSNP rs1240091785, ClinGen allele CA368133364.
Genomic context (GRCh38, chr7:92,066,512, plus strand): 5'-AGAGAGATGTATTCCAACAGGAAATACAGAAACTAGAACAGCAACTTAAGGTTGTTCCTC[G>A]ATTCCAGCCTATCAGTGAACATCAAACTAGAGAGGTAAGAACTTCACTGATATTGCCCAA-3'
Protein context (NP_005742.4, residues 2089-2109): KLEQQLKVVP[Arg2099Gln]FQPISEHQTR